The following is an entry in ClinVar:

NM_182961.4(SYNE1):c.22671C>T (p.Ile7557=)

Gene: SYNE1 (spectrin repeat containing nuclear envelope protein 1; minus strand). Cytogenetic location: 6q25.2.
Variant type: single nucleotide variant.
Coding change: c.22671C>T on transcript NM_182961.4 (MANE Select); coding-DNA position 22671, C replaced by T.
Protein change: p.Ile7557=; no amino-acid change (isoleucine 7557 retained).
Molecular consequence: synonymous variant.
Genome position (GRCh38, 1-based): chr6:152,208,125, G>A on the plus strand (C>T on the coding strand, the complement: SYNE1 is on the minus strand). VCF-style: chr6-152208125-G-A. GRCh37 (hg19) VCF-style: chr6-152529260-G-A.
Other names: p.Ile7486=; c.22458C>T, p.Ile7486= (NM_033071.5).
Identifiers: ClinVar variation 130423 (VCV000130423.28), dbSNP rs3798756, ClinGen allele CA155416.

ClinVar aggregate classification (germline): Benign. Review status: criteria provided, multiple submitters, no conflicts (2 of 4 stars). 12 submissions from 11 submitters: Benign (9). 3 of the submissions do not count toward it. Last evaluated 2026-02-02.

Conditions:
Emery-Dreifuss muscular dystrophy 4, autosomal dominant (EDMD4). Also called: EMERY-DREIFUSS MUSCULAR DYSTROPHY 4 WITH VARIABLE FEATURES. Identifiers: Orphanet 261, MedGen C2751807, MONDO:0013071, OMIM 612998.
Autosomal recessive ataxia, Beauce type. Also called: SYNE1 Deficiency; Spinocerebellar ataxia, autosomal recessive 8; ATAXIA, RECESSIVE, OF BEAUCE; SYNE1-Related Autosomal Recessive Cerebellar Ataxia. Identifiers: Orphanet 88644, MedGen C1853116, MONDO:0012549, OMIM 610743.

Allele frequency attached by ClinVar (database versions not stated): ESP Exome Variant Server 0.12894; gnomAD 0.13297 and 0.13534; gnomAD exomes 0.13642 and 0.14517; ExAC 0.14365; TOPMed 0.14537; 1000 Genomes Project 0.15515; 1000 Genomes Project 30x 0.15646.
gnomAD v4.1: 220,437 of 1,613,848 alleles (14%); highest among the groups gnomAD compares: East Asian, 23%; 15,985 homozygotes.

Submissions (12):

Labcorp Genetics (formerly Invitae), Labcorp
Classification: Benign for Emery-Dreifuss muscular dystrophy 4, autosomal dominant; Autosomal recessive ataxia, Beauce type. Last evaluated: 2026-02-02. Review status: criteria provided, single submitter. Criteria: Invitae Variant Classification Sherloc (09022015). Collection method: clinical testing. Allele origin: germline.

Blueprint Genetics
Classification: Benign. Last evaluated: 2024-11-27. Review status: criteria provided, single submitter. Criteria: ACMG Guidelines, 2015. Collection method: clinical testing. Allele origin: germline.

Athena Diagnostics
Classification: Benign. Last evaluated: 2018-06-21. Review status: criteria provided, single submitter. Criteria: Athena Diagnostics Criteria. Collection method: clinical testing. Allele origin: germline.

Illumina Laboratory Services, Illumina
Classification: Benign for Autosomal recessive ataxia, Beauce type. Last evaluated: 2018-01-13. Review status: criteria provided, single submitter. Criteria: ICSL Variant Classification Criteria 13 December 2019. Collection method: clinical testing. Allele origin: germline.
Comment: This variant was observed in the ICSL laboratory as part of a predisposition screen in an ostensibly healthy population. It had not been previously curated by ICSL or reported in the Human Gene Mutation Database (HGMD: prior to June 1st, 2018), and was therefore a candidate for classification through an automated scoring system. Utilizing variant allele frequency, disease prevalence and penetrance estimates, and inheritance mode, an automated score was calculated to assess if this variant is too frequent to cause the disease. Based on the score and internal cut-off values, a variant classified as benign is not then subjected to further curation. The score for this variant resulted in a classification of benign for this disease.

Illumina Laboratory Services, Illumina
Classification: Benign for Emery-Dreifuss muscular dystrophy 4, autosomal dominant. Last evaluated: 2018-01-13. Review status: criteria provided, single submitter. Criteria: ICSL Variant Classification Criteria 13 December 2019. Collection method: clinical testing. Allele origin: germline.
Comment: the same text as in the submission from Illumina Laboratory Services, Illumina above.

Mayo Clinic Laboratories, Mayo Clinic
Classification: Benign. Last evaluated: 2017-07-24. Review status: criteria provided, single submitter. Criteria: ACMG Guidelines, 2015. Collection method: clinical testing. Allele origin: germline. Observed: 323 variant alleles.

GeneDx
Classification: Benign. Last evaluated: 2016-01-28. Review status: criteria provided, single submitter. Criteria: GeneDx Variant Classification (06012015). Collection method: clinical testing. Allele origin: germline. Affected: yes.
Comment: This variant is considered likely benign or benign based on one or more of the following criteria: it is a conservative change, it occurs at a poorly conserved position in the protein, it is predicted to be benign by multiple in silico algorithms, and/or has population frequency not consistent with disease.

Eurofins Ntd Llc (ga)
Classification: Benign. Last evaluated: 2016-01-07. Review status: criteria provided, single submitter. Criteria: EGL Classification Definitions 2015. Collection method: clinical testing. Allele origin: germline. Observed: 3 variant alleles, 3 heterozygotes.

PreventionGenetics, part of Exact Sciences
Classification: Benign. Review status: criteria provided, single submitter. Criteria: ACMG Guidelines, 2015. Collection method: clinical testing. Allele origin: germline.

Clinical Genetics DNA and cytogenetics Diagnostics Lab, Erasmus MC, Erasmus Medical Center
Classification: Benign. Review status: no assertion criteria provided. Collection method: clinical testing. Allele origin: germline. Affected: yes. Study: VKGL Data-share Consensus. Not counted in ClinVar's aggregate classification.

Clinical Genetics, Academic Medical Center
Classification: Likely benign. Review status: no assertion criteria provided. Collection method: clinical testing. Allele origin: germline. Affected: yes. Study: VKGL Data-share Consensus. Not counted in ClinVar's aggregate classification.

Genetic Services Laboratory, University of Chicago
Classification: Likely benign for AllHighlyPenetrant. Review status: no assertion criteria provided. Collection method: clinical testing. Allele origin: germline. Inheritance: Autosomal dominant inheritance. Not counted in ClinVar's aggregate classification.
Comment: Likely benign based on allele frequency in 1000 Genomes Project or ESP global frequency and its presence in a patient with a rare or unrelated disease phenotype. NOT Sanger confirmed.